The following is an entry in ClinVar:

ClinVar aggregate classification (germline): Conflicting classifications of pathogenicity. Review status: criteria provided, conflicting classifications (1 of 4 stars). 2 submissions from 2 submitters: Uncertain significance (1); Likely benign (1). Last evaluated 2024-07-06.

Conditions:
Marshall syndrome (MRSHS). Identifiers: Orphanet 560, MedGen C0265235, MONDO:0007949, OMIM 154780.

gnomAD v4.1: 2 of 1,613,202 alleles (0.00012%); highest among the groups gnomAD compares: Non-Finnish European, 0.00017%; no homozygotes.

Submissions (2):

Labcorp Genetics (formerly Invitae), Labcorp
Classification: Uncertain significance. Last evaluated: 2024-07-06. Review status: criteria provided, single submitter. Criteria: Invitae Variant Classification Sherloc (09022015). Collection method: clinical testing. Allele origin: germline.
Comment: This sequence change replaces proline, which is neutral and non-polar, with serine, which is neutral and polar, at codon 749 of the COL11A1 protein (p.Pro749Ser). This variant is not present in population databases (gnomAD no frequency). This variant has not been reported in the literature in individuals affected with COL11A1-related conditions. ClinVar contains an entry for this variant (Variation ID: 982851). Advanced modeling of protein sequence and biophysical properties (such as structural, functional, and spatial information, amino acid conservation, physicochemical variation, residue mobility, and thermodynamic stability) performed at Invitae indicates that this missense variant is not expected to disrupt COL11A1 protein function with a negative predictive value of 95%. In summary, the available evidence is currently insufficient to determine the role of this variant in disease. Therefore, it has been classified as a Variant of Uncertain Significance.

Institute of Human Genetics, University of Leipzig Medical Center
Classification: Likely benign for Marshall syndrome. Last evaluated: 2019-01-01. Review status: criteria provided, single submitter. Criteria: ACMG Guidelines, 2015. Collection method: clinical testing. Allele origin: unknown. Affected: no.
Comment: This variant was identified as compound heterozygous.

NM_001854.4(COL11A1):c.2245C>T (p.Pro749Ser)

Gene: COL11A1 (collagen type XI alpha 1 chain; minus strand). Cytogenetic location: 1p21.1.
Variant type: single nucleotide variant.
Coding change: c.2245C>T on transcript NM_001854.4 (MANE Select); coding-DNA position 2245, C replaced by T.
Protein change: p.Pro749Ser; replaces proline 749 with serine.
Molecular consequence: missense variant. On other transcripts: non-coding transcript variant (1).
Genome position (GRCh38, 1-based): chr1:102,996,039, G>A on the plus strand (C>T on the coding strand, the complement: COL11A1 is on the minus strand). VCF-style: chr1-102996039-G-A. GRCh37 (hg19) VCF-style: chr1-103461595-G-A.
Other names: c.2128C>T, p.Pro710Ser (NM_001190709.2); c.2281C>T, p.Pro761Ser (NM_080629.3); c.1897C>T, p.Pro633Ser (NM_080630.4); short protein forms P633S, P710S, P749S, P761S.
Identifiers: ClinVar variation 982851 (VCV000982851.3), dbSNP rs1664593626, ClinGen allele CA341169124.